The following is an entry in ClinVar:

NM_000540.3(RYR1):c.13743T>G (p.Tyr4581Ter)

Gene: RYR1 (ryanodine receptor 1; plus strand). Cytogenetic location: 19q13.2.
Variant type: single nucleotide variant.
Coding change: c.13743T>G on transcript NM_000540.3 (MANE Select); coding-DNA position 13743, T replaced by G.
Protein change: p.Tyr4581Ter; replaces tyrosine 4581 with a stop codon.
Molecular consequence: nonsense.
Genome position (GRCh38, 1-based): chr19:38,570,690, T>G. VCF-style: chr19-38570690-T-G. GRCh37 (hg19) VCF-style: chr19-39061330-T-G.
Other names: c.13728T>G, p.Tyr4576Ter (NM_001042723.2); short protein forms Y4576*, Y4581*.
Identifiers: ClinVar variation 2752508 (VCV002752508.3), dbSNP rs1314705351, ClinGen allele CA405679031.
Genomic context (GRCh38, chr19:38,570,690, plus strand): 5'-CACCCTGCGGTTCCTTGCCCTCTTCTTGGCATTTGCCATCAACTTCATCTTGCTGTTTTA[T>G]AAGGTGCTGGTCCTGAAGGGCTGGGAGGGTCAGGCCCTTTTCCATGCTGTGGGATGGGAG-3'

ClinVar aggregate classification (germline): Pathogenic (1 of 4 stars; one submission).

Conditions:
RYR1-related disorder. Also called: RYR1-related condition; RYR1-related disorders. Identifiers: MedGen CN239331.

Submission:

Labcorp Genetics (formerly Invitae), Labcorp
Classification: Pathogenic for RYR1-related disorder. Last evaluated: 2023-08-14. Review status: criteria provided, single submitter. Criteria: Invitae Variant Classification Sherloc (09022015). Collection method: clinical testing. Allele origin: germline.
Comment: This sequence change creates a premature translational stop signal (p.Tyr4581*) in the RYR1 gene. It is expected to result in an absent or disrupted protein product. Loss-of-function variants in RYR1 are known to be pathogenic (PMID: 23919265, 25960145, 28818389, 30611313). This variant is not present in population databases (gnomAD no frequency). This variant has not been reported in the literature in individuals affected with RYR1-related conditions. For these reasons, this variant has been classified as Pathogenic.

Literature cited by the submitters: PubMed 23919265; PubMed 25960145; PubMed 28818389; PubMed 30611313.